The following is an entry in ClinVar:

ClinVar aggregate classification (germline): Uncertain significance. Review status: criteria provided, multiple submitters, no conflicts (2 of 4 stars). 2 submissions from 2 submitters: Uncertain significance (2). Last evaluated 2025-10-21.

Conditions:
Colorectal cancer, hereditary nonpolyposis, type 7. Identifiers: Orphanet 144, MedGen C1858380, MONDO:0013725, OMIM 614385.

Submissions (2):

Ambry Genetics
Classification: Uncertain significance. Last evaluated: 2025-10-21. Review status: criteria provided, single submitter. Criteria: Ambry Variant Classification Scheme 2023. Collection method: clinical testing. Allele origin: germline.
Comment: The p.T326I variant (also known as c.977C>T), located in coding exon 1 of the MLH3 gene, results from a C to T substitution at nucleotide position 977. The threonine at codon 326 is replaced by isoleucine, an amino acid with similar properties. This amino acid position is highly conserved in available vertebrate species. In addition, this alteration is predicted to be deleterious by in silico analysis. The evidence for this gene-disease relationship is limited; therefore, the clinical significance of this alteration is unclear.

Labcorp Genetics (formerly Invitae), Labcorp
Classification: Uncertain significance for Colorectal cancer, hereditary nonpolyposis, type 7. Last evaluated: 2020-05-30. Review status: criteria provided, single submitter. Criteria: Invitae Variant Classification Sherloc (09022015). Collection method: clinical testing. Allele origin: germline.
Comment: This variant is not present in population databases (ExAC no frequency). In summary, the available evidence is currently insufficient to determine the role of this variant in disease. Therefore, it has been classified as a Variant of Uncertain Significance. Algorithms developed to predict the effect of missense changes on protein structure and function are either unavailable or do not agree on the potential impact of this missense change (SIFT: "Deleterious"; PolyPhen-2: "Probably Damaging"; Align-GVGD: "Class C0"). This variant has not been reported in the literature in individuals with MLH3-related conditions. This sequence change replaces threonine with isoleucine at codon 326 of the MLH3 protein (p.Thr326Ile). The threonine residue is moderately conserved and there is a moderate physicochemical difference between threonine and isoleucine.

NM_001040108.2(MLH3):c.977C>T (p.Thr326Ile)

Gene: MLH3 (mutL homolog 3; minus strand). Cytogenetic location: 14q24.3.
Variant type: single nucleotide variant.
Coding change: c.977C>T on transcript NM_001040108.2 (MANE Select); coding-DNA position 977, C replaced by T.
Protein change: p.Thr326Ile; replaces threonine 326 with isoleucine.
Molecular consequence: missense variant.
Genome position (GRCh38, 1-based): chr14:75,048,679, G>A on the plus strand (C>T on the coding strand, the complement: MLH3 is on the minus strand). VCF-style: chr14-75048679-G-A. GRCh37 (hg19) VCF-style: chr14-75515382-G-A.
Other names: c.977C>T, p.Thr326Ile (NM_014381.3); c.977C>T (NM_001040108.1); short protein forms T326I.
Identifiers: ClinVar variation 1047495 (VCV001047495.9), dbSNP rs1892441207, ClinGen allele CA390448404.